The following is an entry in ClinVar:

NM_014339.7(IL17RA):c.2084C>T (p.Ala695Val)

Gene: IL17RA (interleukin 17 receptor A; plus strand). Cytogenetic location: 22q11.1.
Variant type: single nucleotide variant.
Coding change: c.2084C>T on transcript NM_014339.7 (MANE Select); coding-DNA position 2084, C replaced by T.
Protein change: p.Ala695Val; replaces alanine 695 with valine.
Molecular consequence: missense variant.
Genome position (GRCh38, 1-based): chr22:17,109,303, C>T. VCF-style: chr22-17109303-C-T. GRCh37 (hg19) VCF-style: chr22-17590193-C-T.
Other names: c.2084C>T (NM_014339.5); c.1982C>T, p.Ala661Val (NM_001289905.2); short protein forms A661V, A695V.
Identifiers: ClinVar variation 841224 (VCV000841224.9), dbSNP rs765911585, ClinGen allele CA10086900.

ClinVar aggregate classification (germline): Uncertain significance. Review status: criteria provided, multiple submitters, no conflicts (2 of 4 stars). 2 submissions from 2 submitters: Uncertain significance (2). Last evaluated 2025-11-02.

Conditions:
Immunodeficiency 51 (IMD51). Also called: CANDIDIASIS, FAMILIAL, 5. Identifiers: Orphanet 1334, MedGen C4310803, MONDO:0013500, OMIM 613953.

Allele frequency attached by ClinVar (database versions not stated): TOPMed 0.00008; gnomAD exomes 0.00010; gnomAD 0.00013 and 0.00014; ExAC 0.00034.
gnomAD v4.1: 135 of 1,537,410 alleles (0.0088%); highest among the groups gnomAD compares: Non-Finnish European, 0.011%; no homozygotes.

Submissions (2):

Labcorp Genetics (formerly Invitae), Labcorp
Classification: Uncertain significance for Immunodeficiency 51. Last evaluated: 2025-11-02. Review status: criteria provided, single submitter. Criteria: Invitae Variant Classification Sherloc (09022015). Collection method: clinical testing. Allele origin: germline.
Comment: This sequence change replaces alanine, which is neutral and non-polar, with valine, which is neutral and non-polar, at codon 695 of the IL17RA protein (p.Ala695Val). This variant is present in population databases (rs765911585, gnomAD 0.04%). This variant has not been reported in the literature in individuals affected with IL17RA-related conditions. ClinVar contains an entry for this variant (Variation ID: 841224). Invitae Evidence Modeling of protein sequence and biophysical properties (such as structural, functional, and spatial information, amino acid conservation, physicochemical variation, residue mobility, and thermodynamic stability) indicates that this missense variant is not expected to disrupt IL17RA protein function with a negative predictive value of 80%. In summary, the available evidence is currently insufficient to determine the role of this variant in disease. Therefore, it has been classified as a Variant of Uncertain Significance.

Ambry Genetics
Classification: Uncertain significance. Last evaluated: 2024-01-31. Review status: criteria provided, single submitter. Criteria: Ambry Variant Classification Scheme 2023. Collection method: clinical testing. Allele origin: germline.